The following is an entry in ClinVar:

ClinVar aggregate classification (germline): Likely benign. Review status: criteria provided, single submitter (1 of 4 stars). 2 submissions from 2 submitters: Likely benign (1). 1 of the submissions does not count toward it. Last evaluated 2024-08-30.

Conditions:
ZBTB20-related disorder. Also called: ZBTB20-related condition.

Allele frequency attached by ClinVar (database versions not stated): gnomAD 0.00001; gnomAD exomes 0.00001 and 0.00002; ExAC 0.00003; TOPMed 0.00004; ESP Exome Variant Server 0.00008.
gnomAD v4.1: 18 of 1,614,028 alleles (0.0011%); highest among the groups gnomAD compares: African/African-American, 0.0053%; no homozygotes.

Submissions (2):

Labcorp Genetics (formerly Invitae), Labcorp
Classification: Likely benign. Last evaluated: 2024-08-30. Review status: criteria provided, single submitter. Criteria: Invitae Variant Classification Sherloc (09022015). Collection method: clinical testing. Allele origin: germline.

PreventionGenetics, part of Exact Sciences
Classification: Likely benign for ZBTB20-related condition. Last evaluated: 2020-11-23. Review status: no assertion criteria provided. Collection method: clinical testing. Allele origin: germline. Not counted in ClinVar's aggregate classification.
Comment: This variant is classified as likely benign based on ACMG/AMP sequence variant interpretation guidelines (Richards et al. 2015 PMID: 25741868, with internal and published modifications).

NM_001348800.3(ZBTB20):c.1689C>T (p.Ser563=)

Gene: ZBTB20 (zinc finger and BTB domain containing 20; minus strand). Cytogenetic location: 3q13.31.
Variant type: single nucleotide variant.
Coding change: c.1689C>T on transcript NM_001348800.3 (MANE Select); coding-DNA position 1689, C replaced by T.
Protein change: p.Ser563=; no amino-acid change (serine 563 retained).
Molecular consequence: synonymous variant.
Genome position (GRCh38, 1-based): chr3:114,350,389, G>A on the plus strand (C>T on the coding strand, the complement: ZBTB20 is on the minus strand). VCF-style: chr3-114350389-G-A. GRCh37 (hg19) VCF-style: chr3-114069236-G-A.
Other names: c.1689C>T, p.Ser563= (NM_001164342.2, NM_001348803.3, NM_001393393.1 and 1 more transcripts); c.1470C>T, p.Ser490= (NM_001164343.2, NM_001164344.4, NM_001164345.4 and 9 more transcripts).
Identifiers: ClinVar variation 745929 (VCV000745929.9), dbSNP rs147837508, ClinGen allele CA2551274.